The following is an entry in ClinVar:

NM_003705.5(SLC25A12):c.551A>G (p.Asp184Gly)

Gene: SLC25A12 (solute carrier family 25 member 12; minus strand). Cytogenetic location: 2q31.1.
Variant type: single nucleotide variant.
Coding change: c.551A>G on transcript NM_003705.5 (MANE Select); coding-DNA position 551, A replaced by G.
Protein change: p.Asp184Gly; replaces aspartic acid 184 with glycine.
Molecular consequence: missense variant. On other transcripts: non-coding transcript variant (1).
Genome position (GRCh38, 1-based): chr2:171,837,182, T>C on the plus strand (A>G on the coding strand, the complement: SLC25A12 is on the minus strand). VCF-style: chr2-171837182-T-C. GRCh37 (hg19) VCF-style: chr2-172693692-T-C.
Other names: c.551A>G (NM_003705.3); short protein forms D184G.
Identifiers: ClinVar variation 641721 (VCV000641721.9), dbSNP rs1164660591, ClinGen allele CA349623508.

ClinVar aggregate classification (germline): Uncertain significance. Review status: criteria provided, multiple submitters, no conflicts (2 of 4 stars). 2 submissions from 2 submitters: Uncertain significance (2). Last evaluated 2023-12-27.

Conditions:
Inborn genetic diseases. Identifiers: MedGen C0950123, MeSH D030342.

Allele frequency attached by ClinVar (database versions not stated): TOPMed below 0.00001.
gnomAD v4.1: 2 of 1,614,140 alleles (0.00012%); highest among the groups gnomAD compares: East Asian, 0.0045%; no homozygotes.

Submissions (2):

Ambry Genetics
Classification: Uncertain significance for Inborn genetic diseases. Last evaluated: 2023-12-27. Review status: criteria provided, single submitter. Criteria: Ambry Variant Classification Scheme 2023. Collection method: clinical testing. Allele origin: germline.

Labcorp Genetics (formerly Invitae), Labcorp
Classification: Uncertain significance. Last evaluated: 2018-12-11. Review status: criteria provided, single submitter. Criteria: Invitae Variant Classification Sherloc (09022015). Collection method: clinical testing. Allele origin: germline.
Comment: This sequence change replaces aspartic acid with glycine at codon 184 of the SLC25A12 protein (p.Asp184Gly). The aspartic acid residue is moderately conserved and there is a moderate physicochemical difference between aspartic acid and glycine. This variant is not present in population databases (ExAC no frequency). This variant has not been reported in the literature in individuals with SLC25A12-related conditions. Algorithms developed to predict the effect of missense changes on protein structure and function are either unavailable or do not agree on the potential impact of this missense change (SIFT: "Tolerated"; PolyPhen-2: "Possibly Damaging"; Align-GVGD: "Class C0"). In summary, the available evidence is currently insufficient to determine the role of this variant in disease. Therefore, it has been classified as a Variant of Uncertain Significance.